The following is an entry in ClinVar:

NM_001009999.3(KDM1A):c.2455C>T (p.Arg819Ter)

Gene: KDM1A (lysine demethylase 1A; plus strand). Cytogenetic location: 1p36.12.
Variant type: single nucleotide variant.
Coding change: c.2455C>T on transcript NM_001009999.3 (MANE Select); coding-DNA position 2455, C replaced by T.
Protein change: p.Arg819Ter; replaces arginine 819 with a stop codon.
Molecular consequence: nonsense. On other transcripts: 3 prime UTR variant (1).
Genome position (GRCh38, 1-based): chr1:23,083,188, C>T. VCF-style: chr1-23083188-C-T. GRCh37 (hg19) VCF-style: chr1-23409681-C-T.
Other names: c.2401C>T, p.Arg801Ter (NM_001363654.2); c.2461C>T, p.Arg821Ter (NM_001410762.1); c.*703C>T (NM_001410763.1); c.2383C>T, p.Arg795Ter (NM_015013.4); short protein forms R795*, R819*, R801*, R821*.
Identifiers: ClinVar variation 2757375 (VCV002757375.3), dbSNP rs746295431, ClinGen allele CA679979.

ClinVar aggregate classification (germline): Uncertain significance (1 of 4 stars; one submission).

Allele frequency attached by ClinVar (database versions not stated): gnomAD exomes below 0.00001; ExAC 0.00001.
gnomAD v4.1: 4 of 1,609,608 alleles (0.00025%); highest among the groups gnomAD compares: Non-Finnish European, 0.00034%; no homozygotes.

Submission:

Labcorp Genetics (formerly Invitae), Labcorp
Classification: Uncertain significance. Last evaluated: 2023-09-01. Review status: criteria provided, single submitter. Criteria: Invitae Variant Classification Sherloc (09022015). Collection method: clinical testing. Allele origin: germline.
Comment: In summary, the available evidence is currently insufficient to determine the role of this variant in disease. Therefore, it has been classified as a Variant of Uncertain Significance. This variant has not been reported in the literature in individuals affected with KDM1A-related conditions. This variant is present in population databases (rs746295431, gnomAD 0.0009%). This sequence change creates a premature translational stop signal (p.Arg819*) in the KDM1A gene. While this is not anticipated to result in nonsense mediated decay, it is expected to disrupt the last 58 amino acid(s) of the KDM1A protein.